The following is an entry in ClinVar:

NM_000384.3(APOB):c.9101A>T (p.Lys3034Ile)

Gene: APOB (apolipoprotein B; minus strand). Cytogenetic location: 2p24.1.
Variant type: single nucleotide variant.
Coding change: c.9101A>T on transcript NM_000384.3 (MANE Select); coding-DNA position 9101, A replaced by T.
Protein change: p.Lys3034Ile; replaces lysine 3034 with isoleucine.
Molecular consequence: missense variant.
Genome position (GRCh38, 1-based): chr2:21,007,767, T>A on the plus strand (A>T on the coding strand, the complement: APOB is on the minus strand). VCF-style: chr2-21007767-T-A. GRCh37 (hg19) VCF-style: chr2-21230639-T-A.
Other names: short protein forms K3034I.
Identifiers: ClinVar variation 3894785 (VCV003894785.2).

ClinVar aggregate classification (germline): Uncertain significance. Review status: criteria provided, multiple submitters, no conflicts (2 of 4 stars). 2 submissions from 2 submitters: Uncertain significance (2). Last evaluated 2026-07-31.

Conditions:
Cardiovascular phenotype. Identifiers: MedGen CN230736.

Submissions (2):

Ambry Genetics
Classification: Uncertain significance for Cardiovascular phenotype. Last evaluated: 2026-07-31. Review status: criteria provided, single submitter. Criteria: Ambry Variant Classification Scheme 2023. Collection method: clinical testing. Allele origin: germline.
Comment: The p.K3034I variant (also known as c.9101A>T), located in coding exon 26 of the APOB gene, results from an A to T substitution at nucleotide position 9101. The lysine at codon 3034 is replaced by isoleucine, an amino acid with dissimilar properties. This amino acid position is conserved. In addition, this alteration is predicted to be tolerated by in silico analysis. Based on the available evidence, the clinical significance of this variant remains unclear.

Molecular Diagnostic Laboratory for Inherited Cardiovascular Disease, Montreal Heart Institute
Classification: Uncertain significance for Cardiovascular phenotype. Last evaluated: 2025-04-09. Review status: criteria provided, single submitter. Criteria: ACMG Guidelines, 2015. Collection method: clinical testing. Allele origin: germline. Affected: yes.